The following is an entry in ClinVar:

ClinVar aggregate classification (germline): Uncertain significance (1 of 4 stars; one submission).

Conditions:
Frasier syndrome. Identifiers: Orphanet 347, MedGen C0950122, MeSH D052159, MONDO:0007635, OMIM 136680.
Drash syndrome (DDS). Also called: WILMS TUMOR AND PSEUDO- OR TRUE HERMAPHRODITISM; NEPHROPATHY, WILMS TUMOR, AND GENITAL ANOMALIES. Identifiers: Orphanet 220, MedGen C0950121, MONDO:0008682, OMIM 194080.
Wilms tumor 1 (WT1). Also called: Wilms tumor, somatic. Identifiers: Orphanet 654, MedGen CN033288, MONDO:0008679, OMIM 194070.
11p partial monosomy syndrome (WAGR). Also called: WAGR Complex; WAGR Spectrum Disorder; WAGR syndrome; CHROMOSOME 11p13 DELETION SYNDROME. Identifiers: Orphanet 893, MedGen C0206115, MONDO:0008681, OMIM 194072.

Submission:

Labcorp Genetics (formerly Invitae), Labcorp
Classification: Uncertain significance for Wilms tumor 1; Drash syndrome; 11p partial monosomy syndrome; Frasier syndrome. Last evaluated: 2021-03-13. Review status: criteria provided, single submitter. Criteria: Invitae Variant Classification Sherloc (09022015). Collection method: clinical testing. Allele origin: germline.
Comment: In summary, the available evidence is currently insufficient to determine the role of this variant in disease. Therefore, it has been classified as a Variant of Uncertain Significance. This sequence change replaces histidine with asparagine at codon 359 of the WT1 protein (p.His359Asn). The histidine residue is highly conserved and there is a small physicochemical difference between histidine and asparagine. The frequency data for this variant in the population databases is not available, as this variant may be reported as separate entries in the ExAC database. This variant has not been reported in the literature in individuals with WT1-related conditions. Experimental studies and prediction algorithms are not available or were not evaluated, and the functional significance of this variant is currently unknown.

NM_024426.6(WT1):c.1089_1090delinsAA (p.His364Asn)

Gene: WT1 (WT1 transcription factor; minus strand). Cytogenetic location: 11p13.
Variant type: Indel.
Coding change: c.1089_1090delinsAA on transcript NM_024426.6 (MANE Select); coding-DNA positions 1089 to 1090, GC replaced by AA.
Protein change: p.His364Asn; replaces histidine 364 with asparagine.
Molecular consequence: missense variant. On other transcripts: 5 prime UTR variant (1), non-coding transcript variant (1).
Genome position (GRCh38, 1-based): chr11:32,399,971-32,399,972, GC replaced by TT on the plus strand (GC replaced by AA on the coding strand, the reverse complement: WT1 is on the minus strand). VCF-style: chr11-32399971-GC-TT. GRCh37 (hg19) VCF-style: chr11-32421517-GC-TT.
Other names: c.1038_1039delinsAA, p.His347Asn (NM_000378.6); c.438_439delGCinsAA, p.His147Asn (NM_001198551.2); c.387_388delinsAA, p.His130Asn (NM_001198552.2); c.-100_-99delinsAA (NM_001367854.1); c.1083_1084delGCinsAA, p.His362Asn (NM_001407044.1); c.1038_1039delGCinsAA, p.His347Asn (NM_001407045.1, NM_001407048.1, NM_001407049.1); c.1089_1090delGCinsAA, p.His364Asn (NM_001407046.1); c.966_967delGCinsAA, p.His323Asn (NM_001407047.1); and 4 more; short protein forms H364N, H347N, H130N, H147N, H306N, H362N, H323N, H359N.
Identifiers: ClinVar variation 1478819 (VCV001478819.7), dbSNP rs2132957418, ClinGen allele CA2573146220.